The following is an entry in ClinVar:

ClinVar aggregate classification (germline): Conflicting classifications of pathogenicity. Review status: criteria provided, conflicting classifications (1 of 4 stars). 10 submissions from 10 submitters: Uncertain significance (1); Benign (4); Likely benign (4). 1 of the submissions does not count toward it. Last evaluated 2026-05-01.

Conditions:
Atypical hemolytic-uremic syndrome with I factor anomaly. Also called: HEMOLYTIC UREMIC SYNDROME, ATYPICAL, SUSCEPTIBILITY TO, 3; AHUS, SUSCEPTIBILITY TO, 3. Identifiers: Orphanet 2134, MedGen C2752039, MONDO:0013041, OMIM 612923.
CFI-related disorder. Also called: CFI-related disorders; CFI-related condition. Identifiers: MedGen CN239325.

Allele frequency attached by ClinVar (database versions not stated): gnomAD exomes 0.00092; ExAC 0.00111; 1000 Genomes Project 0.00280; 1000 Genomes Project 30x 0.00344; gnomAD 0.00369; TOPMed 0.00397; ESP Exome Variant Server 0.00446.

Submissions (10):

CeGaT Center for Human Genetics Tuebingen
Classification: Benign. Last evaluated: 2026-05-01. Review status: criteria provided, single submitter. Criteria: CeGaT Center For Human Genetics Tuebingen Variant Classification Criteria Version 2. Collection method: clinical testing. Allele origin: germline. Affected: yes. Observed: 1 variant allele.
Comment: CFI: BS1, BS2

Labcorp Genetics (formerly Invitae), Labcorp
Classification: Benign. Last evaluated: 2026-02-01. Review status: criteria provided, single submitter. Criteria: Invitae Variant Classification Sherloc (09022015). Collection method: clinical testing. Allele origin: germline.

Women's Health and Genetics/Laboratory Corporation of America, LabCorp
Classification: Likely benign. Last evaluated: 2026-01-29. Review status: criteria provided, single submitter. Criteria: LabCorp Variant Classification Summary - May 2015. Collection method: clinical testing. Allele origin: germline.
Comment: Variant summary: CFI c.1246A>C (p.Ile416Leu) results in a conservative amino acid change in the encoded protein sequence. Algorithms developed to predict the effect of missense changes on protein structure and function are either unavailable or do not agree on the potential impact of this missense change. The variant allele was found at a frequency of 0.00092 in 251364 control chromosomes, predominantly at a frequency of 0.012 within the African or African-American subpopulation in the gnomAD database, including 1 homozygotes. The observed variant frequency within African or African-American control individuals in the gnomAD database exceeds the estimated maximal expected allele frequency for disease-causing variants in CFI. c.1246A>C has been observed in individuals affected with Factor I deficiency without clear evidence for causality (Sellier-Leclerc_2007, Bienaime_2010). These reports do not provide unequivocal conclusions about association of the variant with Factor I deficiency. Co-occurrences with other pathogenic variants have been reported (CFHR1 c.(?_-115)_(*191_?)del, exon 1-6 deletion; CFHR3 c.(?_-48)_(*1895_?)del, exon 1-6 deletion) has been reported in at least one individual with Factor I deficiency (Bienaime_2010), providing supporting evidence for a benign role. At least one publication reports experimental evidence evaluating an impact on protein function and shows that this variant results in mislocalization of the mutant protein (Bienaime_2010). The following publications have been ascertained in the context of this evaluation (PMID: 20016463, 17599974, 32510551). ClinVar contains an entry for this variant (Variation ID: 347157). Based on the evidence outlined above, the variant was classified as likely benign.

Mayo Clinic Laboratories, Mayo Clinic
Classification: Uncertain significance. Last evaluated: 2025-09-29. Review status: criteria provided, single submitter. Criteria: ACMG Guidelines, 2015. Collection method: clinical testing. Allele origin: germline. Observed: 55 variant alleles.

Genomenon, Inc
Classification: Benign for CFI-related disorder. Last evaluated: 2025-09-26. Review status: criteria provided, single submitter. Criteria: Genomenon Sequence Variant Interpretation Standards - Updated. Collection method: curation. Allele origin: germline. Affected: no.
Comment: CFI p.Ile416Leu (c.1246A>C) is a missense variant that changes the amino acid at residue 416 from Isoleucine to Leucine. This variant is present at high allele frequency in population databases. In conclusion, we classify CFI p.Ile416Leu (c.1246A>C) as a benign variant.

Blueprint Genetics
Classification: Likely benign. Last evaluated: 2024-11-26. Review status: criteria provided, single submitter. Criteria: ACMG Guidelines, 2015. Collection method: clinical testing. Allele origin: germline.

GeneDx
Classification: Benign. Last evaluated: 2020-04-14. Review status: criteria provided, single submitter. Criteria: GeneDx Variant Classification Process June 2021. Collection method: clinical testing. Allele origin: germline. Affected: yes.
Comment: This variant is associated with the following publications: (PMID: 17599974, 30541482, 24036952, 21445332, 25796589, 21188423, 18557729, 29148534, 20016463, 33238263, 28224376, 29136640, 29292855)

Genetic Services Laboratory, University of Chicago
Classification: Likely benign. Last evaluated: 2017-11-20. Review status: criteria provided, single submitter. Criteria: ACMG Guidelines, 2015. Collection method: clinical testing. Allele origin: germline. Affected: no.

Illumina Laboratory Services, Illumina
Classification: Likely benign for Atypical hemolytic-uremic syndrome with I factor anomaly. Last evaluated: 2017-04-28. Review status: criteria provided, single submitter. Criteria: ICSL Variant Classification Criteria 13 December 2019. Collection method: clinical testing. Allele origin: germline.
Comment: This variant was observed as part of a predisposition screen in an ostensibly healthy population. A literature search was performed for the gene, cDNA change, and amino acid change (where applicable). Publications were found based on this search. The evidence from the literature, in combination with allele frequency data from public databases where available, was sufficient to determine this variant is unlikely to cause disease. Therefore, this variant is classified as likely benign.

PreventionGenetics, part of Exact Sciences
Classification: Likely benign for CFI-related condition. Last evaluated: 2021-02-19. Review status: no assertion criteria provided. Collection method: clinical testing. Allele origin: germline. Not counted in ClinVar's aggregate classification.
Comment: This variant is classified as likely benign based on ACMG/AMP sequence variant interpretation guidelines (Richards et al. 2015 PMID: 25741868, with internal and published modifications).

Literature cited by the submitters: PubMed 17599974 (cited by Women's Health and Genetics/Laboratory Corporation of America, LabCorp and Mayo Clinic Laboratories, Mayo Clinic); PubMed 32510551 (cited by Women's Health and Genetics/Laboratory Corporation of America, LabCorp and Mayo Clinic Laboratories, Mayo Clinic); PubMed 20016463 (cited by Women's Health and Genetics/Laboratory Corporation of America, LabCorp and Mayo Clinic Laboratories, Mayo Clinic); PubMed 18557729 (cited by Mayo Clinic Laboratories, Mayo Clinic); PubMed 20513133 (cited by Mayo Clinic Laboratories, Mayo Clinic); PubMed 21445332 (cited by Mayo Clinic Laboratories, Mayo Clinic); PubMed 23307876 (cited by Mayo Clinic Laboratories, Mayo Clinic and Illumina Laboratory Services, Illumina); PubMed 24036952 (cited by Mayo Clinic Laboratories, Mayo Clinic and Illumina Laboratory Services, Illumina); PubMed 25796589 (cited by Mayo Clinic Laboratories, Mayo Clinic); PubMed 27268256 (cited by Mayo Clinic Laboratories, Mayo Clinic); PubMed 29148534 (cited by Mayo Clinic Laboratories, Mayo Clinic); PubMed 29500241 (cited by Mayo Clinic Laboratories, Mayo Clinic); PubMed 30225434 (cited by Mayo Clinic Laboratories, Mayo Clinic); PubMed 30541482 (cited by Mayo Clinic Laboratories, Mayo Clinic); PubMed 30890598 (cited by Mayo Clinic Laboratories, Mayo Clinic); PubMed 30916388 (cited by Mayo Clinic Laboratories, Mayo Clinic); PubMed 32447592 (cited by Mayo Clinic Laboratories, Mayo Clinic); PubMed 33238263 (cited by Mayo Clinic Laboratories, Mayo Clinic); PubMed 34169201 (cited by Mayo Clinic Laboratories, Mayo Clinic); PubMed 34748552 (cited by Mayo Clinic Laboratories, Mayo Clinic); PubMed 35914225 (cited by Mayo Clinic Laboratories, Mayo Clinic); PubMed 36626252 (cited by Mayo Clinic Laboratories, Mayo Clinic); PubMed 36938085 (cited by Mayo Clinic Laboratories, Mayo Clinic); PubMed 37288831 (cited by Mayo Clinic Laboratories, Mayo Clinic); PubMed 37849999 (cited by Mayo Clinic Laboratories, Mayo Clinic); PubMed 37850005 (cited by Mayo Clinic Laboratories, Mayo Clinic); PubMed 38320731 (cited by Mayo Clinic Laboratories, Mayo Clinic); PubMed 38471460 (cited by Mayo Clinic Laboratories, Mayo Clinic); PubMed 38852887 (cited by Mayo Clinic Laboratories, Mayo Clinic).

NM_000204.5(CFI):c.1246A>C (p.Ile416Leu)

Gene: CFI (complement factor I; minus strand). Cytogenetic location: 4q25.
Variant type: single nucleotide variant.
Coding change: c.1246A>C on transcript NM_000204.5 (MANE Select); coding-DNA position 1246, A replaced by C.
Protein change: p.Ile416Leu; replaces isoleucine 416 with leucine.
Molecular consequence: missense variant. On other transcripts: non-coding transcript variant (2).
Genome position (GRCh38, 1-based): chr4:109,746,405, T>G on the plus strand (A>C on the coding strand, the complement: CFI is on the minus strand). VCF-style: chr4-109746405-T-G. GRCh37 (hg19) VCF-style: chr4-110667561-T-G.
Other names: c.1270A>C, p.Ile424Leu (NM_001318057.2, NM_001375278.1); c.1225A>C, p.Ile409Leu (NM_001331035.2, NM_001375280.1, NM_001375282.1); c.1246A>C, p.Ile416Leu (NM_001375279.1, NM_001375281.1); c.1189A>C, p.Ile397Leu (NM_001375283.1); c.637A>C, p.Ile213Leu (NM_001375284.1); short protein forms I416L, I424L, I409L, I213L, I397L.
Identifiers: ClinVar variation 347157 (VCV000347157.35), dbSNP rs61733901, ClinGen allele CA3041963.